The following is an entry in ClinVar:

NM_001039591.3(USP9X):c.4009T>C (p.Phe1337Leu)

Gene: USP9X (ubiquitin specific peptidase 9 X-linked; plus strand). Cytogenetic location: Xp11.4.
Variant type: single nucleotide variant.
Coding change: c.4009T>C on transcript NM_001039591.3 (MANE Select); coding-DNA position 4009, T replaced by C.
Protein change: p.Phe1337Leu; replaces phenylalanine 1337 with leucine.
Molecular consequence: missense variant.
Genome position (GRCh38, 1-based): chrX:41,196,282, T>C. VCF-style: chrX-41196282-T-C. GRCh37 (hg19) VCF-style: chrX-41055535-T-C.
Other names: c.4009T>C, p.Phe1337Leu (NM_001039590.3); short protein forms F1337L.
Identifiers: ClinVar variation 1693446 (VCV001693446.2), dbSNP rs2147188893, ClinGen allele CA412772096.

ClinVar aggregate classification (germline): Uncertain significance (1 of 4 stars; one submission).

Allele frequency attached by ClinVar (database versions not stated): gnomAD exomes below 0.00001.
gnomAD v4.1: 1 of 1,212,240 alleles (0.000082%); highest among the groups gnomAD compares: Non-Finnish European, 0.00011%; no homozygotes.

Submission:

GeneDx
Classification: Uncertain significance. Last evaluated: 2022-01-04. Review status: criteria provided, single submitter. Criteria: GeneDx Variant Classification Process June 2021. Collection method: clinical testing. Allele origin: germline. Affected: yes.
Comment: Not observed at significant frequency in large population cohorts (gnomAD); In silico analysis supports that this missense variant does not alter protein structure/function; Has not been previously published as pathogenic or benign to our knowledge